The following is an entry in ClinVar:

ClinVar aggregate classification (germline): Uncertain significance. Review status: criteria provided, multiple submitters, no conflicts (2 of 4 stars). 2 submissions from 2 submitters: Uncertain significance (2). Last evaluated 2023-02-07.

Conditions:
Autosomal recessive limb-girdle muscular dystrophy type 2A (LGMDR1). Also called: Limb-girdle muscular dystrophy, type 2A; Calpainopathy; LEYDEN-MOEBIUS MUSCULAR DYSTROPHY; MUSCULAR DYSTROPHY, PELVOFEMORAL; Muscular dystrophy, limb-girdle, type 2A, Amish. Identifiers: Orphanet 267, MedGen C1869123, MONDO:0009675, OMIM 253600. Disease mechanism: loss of function.
Inborn genetic diseases. Identifiers: MedGen C0950123, MeSH D030342.

Allele frequency attached by ClinVar (database versions not stated): TOPMed 0.00003; ExAC 0.00004; 1000 Genomes Project 30x 0.00016; 1000 Genomes Project 0.00020.
gnomAD v4.1: 21 of 1,612,100 alleles (0.0013%); highest among the groups gnomAD compares: East Asian, 0.042%; no homozygotes.

Submissions (2):

Ambry Genetics
Classification: Uncertain significance for Inborn genetic diseases. Last evaluated: 2023-02-07. Review status: criteria provided, single submitter. Criteria: Ambry Variant Classification Scheme 2023. Collection method: clinical testing. Allele origin: germline.

Labcorp Genetics (formerly Invitae), Labcorp
Classification: Uncertain significance for Autosomal recessive limb-girdle muscular dystrophy type 2A. Last evaluated: 2022-06-02. Review status: criteria provided, single submitter. Criteria: Invitae Variant Classification Sherloc (09022015). Collection method: clinical testing. Allele origin: germline.
Comment: This sequence change replaces lysine, which is basic and polar, with asparagine, which is neutral and polar, at codon 596 of the CAPN3 protein (p.Lys596Asn). This variant is present in population databases (rs576834485, gnomAD 0.07%). This variant has not been reported in the literature in individuals affected with CAPN3-related conditions. Algorithms developed to predict the effect of missense changes on protein structure and function (SIFT, PolyPhen-2, Align-GVGD) all suggest that this variant is likely to be tolerated. Algorithms developed to predict the effect of sequence changes on RNA splicing suggest that this variant may disrupt the consensus splice site. In summary, the available evidence is currently insufficient to determine the role of this variant in disease. Therefore, it has been classified as a Variant of Uncertain Significance.

NM_000070.3(CAPN3):c.1788G>T (p.Lys596Asn)

Gene: CAPN3 (calpain 3; plus strand). Cytogenetic location: 15q15.1.
Variant type: single nucleotide variant.
Coding change: c.1788G>T on transcript NM_000070.3 (MANE Select); coding-DNA position 1788, G replaced by T.
Protein change: p.Lys596Asn; replaces lysine 596 with asparagine.
Molecular consequence: missense variant. On other transcripts: 5 prime UTR variant (1), intron variant (3).
Genome position (GRCh38, 1-based): chr15:42,405,931, G>T. VCF-style: chr15-42405931-G-T. GRCh37 (hg19) VCF-style: chr15-42698129-G-T.
Other names: c.252G>T, p.Lys84Asn (NM_173088.2); c.-94G>T (NM_173090.2); c.1782+2154G>T (NM_024344.2); c.1638+2154G>T (NM_173087.2); c.-82+976G>T (NM_173089.2); c.1788G>T (NM_000070.2); short protein forms K596N, K84N.
Identifiers: ClinVar variation 2148399 (VCV002148399.3), dbSNP rs576834485, ClinGen allele CA7511535.
Genomic context (GRCh38, chr15:42,405,931, plus strand): 5'-TCTGAGAACTTACTTTTCACTTATTCTGCATTTACTGTTTCCTTTTCTTATGCAGAAAAA[G>T]AAAAAAACCAAGGTAGGTGTGTGGGTAGAGAGCATGAAGTGTGTGTACTCATGCATATGT-3'
Protein context (NP_000061.1, residues 586-606): NTISVDRPVK[Lys596Asn]KKTKPIIFVS